The following is an entry in ClinVar:

ClinVar aggregate classification (germline): Uncertain significance (1 of 4 stars; one submission).

Submission:

GeneDx
Classification: Uncertain significance. Last evaluated: 2025-04-22. Review status: criteria provided, single submitter. Criteria: GeneDx Variant Classification Process June 2021. Collection method: clinical testing. Allele origin: germline. Affected: yes.
Comment: In-frame deletion of 10 amino acids in a non-repeat region; In silico analysis supports a deleterious effect on protein structure/function; Has not been previously published as pathogenic or benign to our knowledge

NM_004817.4(TJP2):c.561_590del (p.Glu188_Arg197del)

Gene: TJP2 (tight junction protein 2; plus strand). Cytogenetic location: 9q21.11.
Variant type: Deletion.
Coding change: c.561_590del on transcript NM_004817.4 (MANE Select); coding-DNA positions 561 to 590, 30 bases deleted (GGAGCGGGACCTCAGCCGGGACCGGAGCCG).
Protein change: p.Glu188_Arg197del.
Genome position (GRCh38, 1-based): chr9:69,221,105-69,221,134, GGAGCGGGACCTCAGCCGGGACCGGAGCCG deleted; deleting any 30 consecutive bases within chr9:69,221,096-69,221,134 gives the same sequence; the c. name uses the placement nearest the transcript's 3' end. VCF-style (leftmost placement, unchanged base first): chr9-69221095-CCCGGAGCCGGGAGCGGGACCTCAGCCGGGA-C. GRCh37 (hg19) VCF-style: chr9-71836011-CCCGGAGCCGGGAGCGGGACCTCAGCCGGGA-C.
Other names: c.492_521del, p.Glu165_Arg174del (NM_001170414.2, NM_001369870.1, NM_001369871.1); c.573_602del, p.Glu192_Arg201del (NM_001170415.1, NM_001369874.1, NM_001369875.1); c.654_683del, p.Glu219_Arg228del (NM_001170416.2); c.561_590del, p.Glu188_Arg197del (NM_001369872.1, NM_001369873.1, NM_201629.3).
Identifiers: ClinVar variation 4527114 (VCV004527114.1).
Genomic context (GRCh38, chr9:69,221,095, plus strand): 5'-ATGGGGGGCGCAGCCGCAGCTGGGAGGACAGCCCGGAAAGGGGGCGTCCCCATGAGCGGG[CCCGGAGCCGGGAGCGGGACCTCAGCCGGGA>C]CCGGAGCCGTGGCCGGAGCCTGGAGCGGGGCCTGGACCAAGACCATGCGCGCACCCGAGA-3'